The following is an entry in ClinVar:

ClinVar aggregate classification (germline): Pathogenic. Review status: criteria provided, multiple submitters, no conflicts (2 of 4 stars). 3 submissions from 3 submitters: Pathogenic (2). 1 of the submissions does not count toward it. Last evaluated 2025-07-03.

Conditions:
MTPAP-related disorder. Also called: MTPAP-related condition.
Spastic ataxia 4. Identifiers: Orphanet 254343, MedGen C3150925, MONDO:0013354, OMIM 613672.

Allele frequency attached by ClinVar (database versions not stated): gnomAD 0.00001; TOPMed 0.00002.
gnomAD v4.1: 3 of 1,613,930 alleles (0.00019%); highest among the groups gnomAD compares: Non-Finnish European, 0.00025%; no homozygotes.

Submissions (3):

Labcorp Genetics (formerly Invitae), Labcorp
Classification: Pathogenic. Last evaluated: 2025-07-03. Review status: criteria provided, single submitter. Criteria: Invitae Variant Classification Sherloc (09022015). Collection method: clinical testing. Allele origin: germline.
Comment: This sequence change replaces asparagine, which is neutral and polar, with aspartic acid, which is acidic and polar, at codon 478 of the MTPAP protein (p.Asn478Asp). This variant is not present in population databases (gnomAD no frequency). This missense change has been observed in individuals with spastic ataxia (PMID: 20970105, 24651433). It has also been observed to segregate with disease in related individuals. ClinVar contains an entry for this variant (Variation ID: 18391). Invitae Evidence Modeling of protein sequence and biophysical properties (such as structural, functional, and spatial information, amino acid conservation, physicochemical variation, residue mobility, and thermodynamic stability) indicates that this missense variant is not expected to disrupt MTPAP protein function with a negative predictive value of 80%. Algorithms developed to predict the effect of sequence changes on RNA splicing suggest that this variant may create or strengthen a splice site. For these reasons, this variant has been classified as Pathogenic.

Blueprint Genetics
Classification: Pathogenic for MTPAP-related disorders. Last evaluated: 2020-12-09. Review status: criteria provided, single submitter. Criteria: ACMG Guidelines, 2015. Collection method: clinical testing. Allele origin: germline. Affected: yes. Observed: 3 variant alleles.

OMIM
Classification: Pathogenic for SPASTIC ATAXIA 4, AUTOSOMAL RECESSIVE (1 family). Last evaluated: 2014-12-01. Review status: no assertion criteria provided. Collection method: literature only. Allele origin: germline. Not counted in ClinVar's aggregate classification.

Literature cited by the submitters: PubMed 20970105 (cited by Labcorp Genetics (formerly Invitae), Labcorp and OMIM); PubMed 24651433 (cited by Labcorp Genetics (formerly Invitae), Labcorp); PubMed 25008111 (cited by OMIM).

NM_018109.4(MTPAP):c.1432A>G (p.Asn478Asp)

Gene: MTPAP (mitochondrial poly(A) polymerase; minus strand). Cytogenetic location: 10p11.23.
Variant type: single nucleotide variant.
Coding change: c.1432A>G on transcript NM_018109.4 (MANE Select); coding-DNA position 1432, A replaced by G.
Protein change: p.Asn478Asp; replaces asparagine 478 with aspartic acid.
Molecular consequence: missense variant.
Genome position (GRCh38, 1-based): chr10:30,313,926, T>C on the plus strand (A>G on the coding strand, the complement: MTPAP is on the minus strand). VCF-style: chr10-30313926-T-C. GRCh37 (hg19) VCF-style: chr10-30602855-T-C.
Other names: short protein forms N478D.
Identifiers: ClinVar variation 18391 (VCV000018391.7), dbSNP rs267606900, ClinGen allele CA113782.